The following is an entry in ClinVar:

NM_000612.6(IGF2):c.252T>G (p.Cys84Trp)

Genes: IGF2 (insulin like growth factor 2; minus strand), INS-IGF2 (INS-IGF2 readthrough; minus strand). Cytogenetic location: 11p15.5.
Variant type: single nucleotide variant.
Coding change: c.252T>G on transcript NM_000612.6 (MANE Select); coding-DNA position 252, T replaced by G.
Protein change: p.Cys84Trp; replaces cysteine 84 with tryptophan.
Molecular consequence: missense variant. On other transcripts: non-coding transcript variant (1).
Genome position (GRCh38, 1-based): chr11:2,133,571, A>C on the plus strand (T>G on the coding strand, the complement: IGF2 is on the minus strand). VCF-style: chr11-2133571-A-C. GRCh37 (hg19) VCF-style: chr11-2154801-A-C.
Other names: c.252T>G, p.Cys84Trp (NM_001007139.6, NM_001291861.3, NM_001291862.3); c.420T>G, p.Cys140Trp (NM_001127598.3); short protein forms C140W, C84W.
Identifiers: ClinVar variation 3236772 (VCV003236772.1), dbSNP rs2495576425.

ClinVar aggregate classification (germline): Likely pathogenic (1 of 4 stars; one submission).

Conditions:
Silver-Russell syndrome 3 (SRS3). Also called: Growth restriction, severe, with distinctive facies. Identifiers: MedGen C4225307, MONDO:0014663, OMIM 616489.

Submission:

MVZ Medizinische Genetik Mainz
Classification: Likely pathogenic for Silver-Russell syndrome 3. Last evaluated: 2023-01-06. Review status: criteria provided, single submitter. Criteria: UK Practice Guidelines For Variant Classification V4 01 2020. Collection method: clinical testing. Allele origin: germline. Inheritance: Autosomal dominant inheritance. Affected: yes. Observed: 1 variant allele.
Comment: ACMG Criteria: PM1, PM6, PM2_SUP, PP3 (ACMG Version 4)